The following is an entry in ClinVar:

ClinVar aggregate classification (germline): Uncertain significance (1 of 4 stars; one submission).

Conditions:
Epidermolysis bullosa simplex 5C, with pyloric atresia (EBS5C). Also called: PLEC-Related Epidermolysis Bullosa with Pyloric Atresia; Epidermolysis bullosa simplex with pyloric atresia; PLEC1-Related Epidermolysis Bullosa with Pyloric Atresia. Identifiers: Orphanet 158684, MedGen C2677349, MONDO:0012807, OMIM 612138.
Epidermolysis bullosa simplex 5B, with muscular dystrophy (EBS5B). Also called: Epidermolysis bullosa simplex with muscular dystrophy; EPIDERMOLYSIS BULLOSA SIMPLEX AND LIMB-GIRDLE MUSCULAR DYSTROPHY. Identifiers: Orphanet 257, MedGen C2931072, MONDO:0009181, OMIM 226670.
Epidermolysis bullosa simplex, Ogna type (EBS5A). Also called: Pidermolysis bullosa simplex 5A, Ogna type; EPIDERMOLYSIS BULLOSA SIMPLEX 5A, OGNA TYPE. Identifiers: Orphanet 79401, MedGen C0432317, MONDO:0007555, OMIM 131950.
Autosomal recessive limb-girdle muscular dystrophy type 2Q (LGMDR17). Also called: MUSCULAR DYSTROPHY, LIMB-GIRDLE, AUTOSOMAL RECESSIVE 17. Identifiers: Orphanet 254361, MedGen C3150989, MONDO:0013390, OMIM 613723.
Epidermolysis bullosa simplex with nail dystrophy (EBS5D). Identifiers: MedGen C4225309, MONDO:0014661, OMIM 616487.

Submission:

Labcorp Genetics (formerly Invitae), Labcorp
Classification: Uncertain significance for Autosomal recessive limb-girdle muscular dystrophy type 2Q; Epidermolysis bullosa simplex, Ogna type; Epidermolysis bullosa simplex with nail dystrophy; Epidermolysis bullosa simplex 5C, with pyloric atresia; Epidermolysis bullosa simplex 5B, with muscular dystrophy. Last evaluated: 2022-01-19. Review status: criteria provided, single submitter. Criteria: Invitae Variant Classification Sherloc (09022015). Collection method: clinical testing. Allele origin: germline.
Comment: This variant is not present in population databases (gnomAD no frequency). This sequence change replaces serine, which is neutral and polar, with phenylalanine, which is neutral and non-polar, at codon 4255 of the PLEC protein (p.Ser4255Phe). This variant has not been reported in the literature in individuals affected with PLEC-related conditions. In summary, the available evidence is currently insufficient to determine the role of this variant in disease. Therefore, it has been classified as a Variant of Uncertain Significance. Algorithms developed to predict the effect of missense changes on protein structure and function (SIFT, PolyPhen-2, Align-GVGD) all suggest that this variant is likely to be disruptive.

NM_201384.3(PLEC):c.12683C>T (p.Ser4228Phe)

Gene: PLEC (plectin; minus strand). Cytogenetic location: 8q24.3.
Variant type: single nucleotide variant.
Coding change: c.12683C>T on transcript NM_201384.3 (MANE Select); coding-DNA position 12683, C replaced by T.
Protein change: p.Ser4228Phe; replaces serine 4228 with phenylalanine.
Molecular consequence: missense variant.
Genome position (GRCh38, 1-based): chr8:143,917,138, G>A on the plus strand (C>T on the coding strand, the complement: PLEC is on the minus strand). VCF-style: chr8-143917138-G-A. GRCh37 (hg19) VCF-style: chr8-144991306-G-A.
Other names: c.12683C>T, p.Ser4228Phe (NM_201382.4); c.12695C>T, p.Ser4232Phe (NM_201383.3); c.12764C>T, p.Ser4255Phe (NM_000445.5); c.9383C>T, p.Ser3128Phe (NM_001410941.1); c.12641C>T, p.Ser4214Phe (NM_201378.4); c.12617C>T, p.Ser4206Phe (NM_201379.3); c.13094C>T, p.Ser4365Phe (NM_201380.4); c.12587C>T, p.Ser4196Phe (NM_201381.3); short protein forms S4206F, S4196F, S4232F, S4255F, S3128F, S4228F, S4365F, S4214F.
Identifiers: ClinVar variation 2088048 (VCV002088048.4), dbSNP rs886044804, ClinGen allele CA372479691.